The following is an entry in ClinVar:

NM_002471.4(MYH6):c.544G>A (p.Ala182Thr)

Genes: MYH6 (myosin heavy chain 6; minus strand), LOC114827851 (VISTA enhancer hs2155; plus strand). Cytogenetic location: 14q11.2.
Variant type: single nucleotide variant.
Coding change: c.544G>A on transcript NM_002471.4 (MANE Select); coding-DNA position 544, G replaced by A.
Protein change: p.Ala182Thr; replaces alanine 182 with threonine.
Molecular consequence: missense variant.
Genome position (GRCh38, 1-based): chr14:23,404,809, C>T on the plus strand (G>A on the coding strand, the complement: MYH6 is on the minus strand). VCF-style: chr14-23404809-C-T. GRCh37 (hg19) VCF-style: chr14-23874018-C-T.
Other names: short protein forms A182T.
Identifiers: ClinVar variation 1747600 (VCV001747600.3), dbSNP rs763305936, ClinGen allele CA7116112.

ClinVar aggregate classification (germline): Uncertain significance. Review status: criteria provided, multiple submitters, no conflicts (2 of 4 stars). 2 submissions from 2 submitters: Uncertain significance (2). Last evaluated 2026-04-23.

Conditions:
Cardiovascular phenotype. Identifiers: MedGen CN230736.

Allele frequency attached by ClinVar (database versions not stated): ExAC 0.00001; gnomAD exomes below 0.00001.
gnomAD v4.1: 2 of 1,614,130 alleles (0.00012%); highest among the groups gnomAD compares: Non-Finnish European, 0.00017%; no homozygotes.

Submissions (2):

GeneDx
Classification: Uncertain significance. Last evaluated: 2026-04-23. Review status: criteria provided, single submitter. Criteria: GeneDx Variant Classification Process June 2021. Collection method: clinical testing. Allele origin: germline.
Comment: Not observed at significant frequency in large population cohorts (gnomAD); In silico analysis supports that this missense variant has a deleterious effect on protein structure/function; Has not been previously published as pathogenic or benign to our knowledge

Ambry Genetics
Classification: Uncertain significance for Cardiovascular phenotype. Last evaluated: 2021-10-18. Review status: criteria provided, single submitter. Criteria: Ambry Variant Classification Scheme 2023. Collection method: clinical testing. Allele origin: germline.
Comment: The p.A182T variant (also known as c.544G>A), located in coding exon 5 of the MYH6 gene, results from a G to A substitution at nucleotide position 544. The alanine at codon 182 is replaced by threonine, an amino acid with similar properties. This amino acid position is conserved. In addition, this alteration is predicted to be deleterious by in silico analysis. Since supporting evidence is limited at this time, the clinical significance of this alteration remains unclear.